The following is an entry in ClinVar:

ClinVar aggregate classification (germline): Uncertain significance (1 of 4 stars; one submission).

gnomAD v4.1: 1 of 1,614,258 alleles (0.000062%); highest among the groups gnomAD compares: Non-Finnish European, 0.000085%; no homozygotes.

Submission:

Labcorp Genetics (formerly Invitae), Labcorp
Classification: Uncertain significance. Last evaluated: 2023-05-17. Review status: criteria provided, single submitter. Criteria: Invitae Variant Classification Sherloc (09022015). Collection method: clinical testing. Allele origin: germline.
Comment: In summary, the available evidence is currently insufficient to determine the role of this variant in disease. Therefore, it has been classified as a Variant of Uncertain Significance. This variant has not been reported in the literature in individuals affected with MED20-related conditions. This variant is not present in population databases (gnomAD no frequency). This sequence change creates a premature translational stop signal (p.Leu73*) in the MED20 gene. It is expected to result in an absent or disrupted protein product. However, the current clinical and genetic evidence is not sufficient to establish whether loss-of-function variants in MED20 cause disease.

NM_004275.5(MED20):c.218T>A (p.Leu73Ter)

Genes: BYSL (bystin like; plus strand), MED20 (mediator complex subunit 20; minus strand). Cytogenetic location: 6p21.1.
Variant type: single nucleotide variant.
Coding change: c.218T>A on transcript NM_004275.5 (MANE Select); coding-DNA position 218, T replaced by A.
Protein change: p.Leu73Ter; replaces leucine 73 with a stop codon.
Molecular consequence: nonsense.
Genome position (GRCh38, 1-based): chr6:41,909,474, A>T on the plus strand (T>A on the coding strand, the complement: MED20 is on the minus strand). VCF-style: chr6-41909474-A-T. GRCh37 (hg19) VCF-style: chr6-41877212-A-T.
Other names: c.32T>A, p.Leu11Ter (NM_001305455.2, NM_001305456.2); c.218T>A, p.Leu73Ter (NM_001305457.2); short protein forms L11*, L73*.
Identifiers: ClinVar variation 2798835 (VCV002798835.3), dbSNP rs2533083364, ClinGen allele CA364074489.